The following is an entry in ClinVar:

ClinVar aggregate classification (germline): Likely benign (1 of 4 stars; one submission).

Allele frequency attached by ClinVar (database versions not stated): gnomAD 0.00213; ExAC 0.00265; 1000 Genomes Project 30x 0.00328.
gnomAD v4.1: 2,118 of 1,582,430 alleles (0.13%); highest among the groups gnomAD compares: East Asian, 0.26%; 255 homozygotes.

Submission:

CeGaT Center for Human Genetics Tuebingen
Classification: Likely benign. Last evaluated: 2026-01-01. Review status: criteria provided, single submitter. Criteria: CeGaT Center For Human Genetics Tuebingen Variant Classification Criteria Version 2. Collection method: clinical testing. Allele origin: germline. Affected: yes. Observed: 6 variant alleles.
Comment: MUC5B: BP4, BS2

NM_002458.3(MUC5B):c.12853C>A (p.Pro4285Thr)

Gene: MUC5B (mucin 5B, oligomeric mucus/gel-forming; plus strand). Cytogenetic location: 11p15.5.
Variant type: single nucleotide variant.
Coding change: c.12853C>A on transcript NM_002458.3 (MANE Select); coding-DNA position 12853, C replaced by A.
Protein change: p.Pro4285Thr; replaces proline 4285 with threonine.
Molecular consequence: missense variant.
Genome position (GRCh38, 1-based): chr11:1,249,733, C>A. VCF-style: chr11-1249733-C-A. GRCh37 (hg19) VCF-style: chr11-1270963-C-A.
Other names: short protein forms P4285T.
Identifiers: ClinVar variation 2641291 (VCV002641291.24), dbSNP rs200305539, ClinGen allele CA5808127.